The following is an entry in ClinVar:

ClinVar aggregate classification (germline): Uncertain significance (1 of 4 stars; one submission).

Allele frequency attached by ClinVar (database versions not stated): gnomAD exomes below 0.00001; TOPMed below 0.00001.
gnomAD v4.1: 2 of 1,211,742 alleles (0.00017%); highest among the groups gnomAD compares: Non-Finnish European, 0.00011%; no homozygotes.

Submission:

Labcorp Genetics (formerly Invitae), Labcorp
Classification: Uncertain significance. Last evaluated: 2023-12-14. Review status: criteria provided, single submitter. Criteria: Invitae Variant Classification Sherloc (09022015). Collection method: clinical testing. Allele origin: germline.
Comment: This sequence change replaces asparagine, which is neutral and polar, with aspartic acid, which is acidic and polar, at codon 13 of the BCORL1 protein (p.Asn13Asp). This variant is not present in population databases (gnomAD no frequency). This variant has not been reported in the literature in individuals affected with BCORL1-related conditions. Algorithms developed to predict the effect of missense changes on protein structure and function output the following: SIFT: "Not Available"; PolyPhen-2: "Not Available"; Align-GVGD: "Not Available". The aspartic acid amino acid residue is found in multiple mammalian species, which suggests that this missense change does not adversely affect protein function. In summary, the available evidence is currently insufficient to determine the role of this variant in disease. Therefore, it has been classified as a Variant of Uncertain Significance.

NM_001379451.1(BCORL1):c.37A>G (p.Asn13Asp)

Gene: BCORL1 (BCL6 corepressor like 1; plus strand). Cytogenetic location: Xq26.1.
Variant type: single nucleotide variant.
Coding change: c.37A>G on transcript NM_001379451.1 (MANE Select); coding-DNA position 37, A replaced by G.
Protein change: p.Asn13Asp; replaces asparagine 13 with aspartic acid.
Molecular consequence: missense variant.
Genome position (GRCh38, 1-based): chrX:130,005,268, A>G. VCF-style: chrX-130005268-A-G. GRCh37 (hg19) VCF-style: chrX-129139244-A-G.
Other names: c.37A>G, p.Asn13Asp (NM_001184772.3, NM_001379450.1, NM_021946.5); short protein forms N13D.
Identifiers: ClinVar variation 2703144 (VCV002703144.3), dbSNP rs1928395845, ClinGen allele CA414561452.
Genomic context (GRCh38, chrX:130,005,268, plus strand): 5'-CCTATCTGGTGGTGAGTGGCTGTCATGATCTCTACAGCACCGCTCTACAGCGGCGTGCAC[A>G]ACTGGACCAGTTCTGACCGGATTCGCATGTGTGGCATCAACGAGGAGAGGTGAGGAGGCC-3'
Protein context (NP_001366380.1, residues 3-23): STAPLYSGVH[Asn13Asp]WTSSDRIRMC